The following is an entry in ClinVar:

NM_000453.3(SLC5A5):c.1507G>A (p.Asp503Asn)

Gene: SLC5A5 (solute carrier family 5 member 5; plus strand). Cytogenetic location: 19p13.11.
Variant type: single nucleotide variant.
Coding change: c.1507G>A on transcript NM_000453.3 (MANE Select); coding-DNA position 1507, G replaced by A.
Protein change: p.Asp503Asn; replaces aspartic acid 503 with asparagine.
Molecular consequence: missense variant.
Genome position (GRCh38, 1-based): chr19:17,884,027, G>A. VCF-style: chr19-17884027-G-A. GRCh37 (hg19) VCF-style: chr19-17994836-G-A.
Other names: short protein forms D503N.
Identifiers: ClinVar variation 328541 (VCV000328541.13), dbSNP rs73520745, ClinGen allele CA9303195.
Genomic context (GRCh38, chr19:17,884,027, plus strand): 5'-TGCGTGGCTCTCTCAGTCAACGCCTCTGGCCTCCTGGACCCGGCTCTCCTCCCTGCTAAC[G>A]ACTCCAGCAGGGCCCCCAGGTGAGCAGACTTGAGGGTAGGGGGGTACCCGAGCCCTGGAT-3'
Protein context (NP_000444.1, residues 493-513): LLDPALLPAN[Asp503Asn]SSRAPSSGMD

ClinVar aggregate classification (germline): Benign/Likely benign. Review status: criteria provided, multiple submitters, no conflicts (2 of 4 stars). 6 submissions from 6 submitters: Benign (2); Likely benign (3). 1 of the submissions does not count toward it. Last evaluated 2026-05-12.

Conditions:
SLC5A5-related disorder. Also called: SLC5A5-related condition.
Thyroid dyshormonogenesis 1. Also called: Familial thyroid dyshormonogenesis 1; HYPOTHYROIDISM, CONGENITAL, DUE TO DYSHORMONOGENESIS, 1; IODINE ACCUMULATION, TRANSPORT, OR TRAPPING DEFECT; THYROID HORMONOGENESIS, GENETIC DEFECT IN, 1. Identifiers: Orphanet 95716, MedGen C1848805, MONDO:0020716, OMIM 274400.

Allele frequency attached by ClinVar (database versions not stated): gnomAD exomes 0.00156 and 0.00381; ExAC 0.01112; TOPMed 0.01842; ESP Exome Variant Server 0.01417; gnomAD 0.01641 and 0.01778; 1000 Genomes Project 30x 0.01702; 1000 Genomes Project 0.01577.
gnomAD v4.1: 4,847 of 1,569,392 alleles (0.31%); highest among the groups gnomAD compares: African/African-American, 5.6%; 122 homozygotes.

Submissions (6):

Women's Health and Genetics/Laboratory Corporation of America, LabCorp
Classification: Likely benign. Last evaluated: 2026-05-12. Review status: criteria provided, single submitter. Criteria: LabCorp Variant Classification Summary - May 2015. Collection method: clinical testing. Allele origin: germline.

Labcorp Genetics (formerly Invitae), Labcorp
Classification: Benign. Last evaluated: 2026-01-31. Review status: criteria provided, single submitter. Criteria: Invitae Variant Classification Sherloc (09022015). Collection method: clinical testing. Allele origin: germline.

Illumina Laboratory Services, Illumina
Classification: Likely benign for Thyroid dyshormonogenesis 1. Last evaluated: 2018-01-12. Review status: criteria provided, single submitter. Criteria: ICSL Variant Classification Criteria 13 December 2019. Collection method: clinical testing. Allele origin: germline.
Comment: This variant was observed in the ICSL laboratory as part of a predisposition screen in an ostensibly healthy population. It had not been previously curated by ICSL or reported in the Human Gene Mutation Database (HGMD: prior to June 1st, 2018), and was therefore a candidate for classification through an automated scoring system. Utilizing variant allele frequency, disease prevalence and penetrance estimates, and inheritance mode, an automated score was calculated to assess if this variant is too frequent to cause the disease. Based on the score and internal cut-off values, a variant classified as likely benign is not then subjected to further curation. The score for this variant resulted in a classification of likely benign for this disease.

Center for Pediatric Genomic Medicine, Children's Mercy Hospital and Clinics
Classification: Benign. Last evaluated: 2016-10-11. Review status: criteria provided, single submitter. Criteria: ACMG Guidelines, 2015. Collection method: clinical testing. Allele origin: germline.

Breakthrough Genomics
Classification: Likely benign. Review status: criteria provided, single submitter. Criteria: ACMG Guidelines, 2015. Collection method: not provided. Allele origin: germline. Inheritance: Autosomal recessive inheritance. Affected: yes.

PreventionGenetics, part of Exact Sciences
Classification: Benign for SLC5A5-related condition. Last evaluated: 2019-07-30. Review status: no assertion criteria provided. Collection method: clinical testing. Allele origin: germline. Not counted in ClinVar's aggregate classification.
Comment: This variant is classified as benign based on ACMG/AMP sequence variant interpretation guidelines (Richards et al. 2015 PMID: 25741868, with internal and published modifications).